The following is an entry in ClinVar:

GRCh38/hg38 16p13.3(chr16:2494804-3246579)x1

Genes: AMDHD2 (amidohydrolase domain containing 2; plus strand), ATP6V0C (ATPase H+ transporting V0 subunit c; plus strand), BICDL2 (BICD family like cargo adaptor 2; minus strand), CEMP1 (cementum protein 1; minus strand), CLDN6 (claudin 6; minus strand) and 146 more. Cytogenetic location: 16p13.3.
Variant type: copy number loss.
Change: copy number 1 (one copy instead of two) of chr16:2,494,804-3,246,579 (751.8 kb, GRCh38 coordinates, 1-based), cytogenetic band 16p13.3.
Identifiers: ClinVar variation 59427 (VCV000059427.1).

ClinVar aggregate classification (germline): Pathogenic (1 of 4 stars; one submission).

Submission:

ISCA site 15
Classification: Pathogenic. Last evaluated: 2011-08-12. Review status: criteria provided, single submitter. Criteria: Kaminsky et al. (Genet Med. 2011). Collection method: clinical testing. Allele origin: de novo. Affected: yes. Observed: 1 variant allele.
Comment: Copy number variation identified through the course of routine clinical cytogenomic testing in postnatal populations. Clinical assertions have been curated as described in Kaminsky et al. 2011.